The following is an entry in ClinVar:

ClinVar aggregate classification (germline): Pathogenic (1 of 4 stars; one submission).

Conditions:
Episodic ataxia type 2 (EA2). Also called: ATAXIA, EPISODIC, WITH NYSTAGMUS; ATAXIA, FAMILIAL PAROXYSMAL; ACETAZOLAMIDE-RESPONSIVE HEREDITARY PAROXYSMAL CEREBELLAR ATAXIA; CEREBELLAR ATAXIA, PAROXYSMAL, ACETAZOLAMIDE-RESPONSIVE; CEREBELLOPATHY, HEREDITARY PAROXYSMAL; EPISODIC ATAXIA, NYSTAGMUS-ASSOCIATED. Identifiers: Orphanet 97, MedGen C1720416, MONDO:0007163, OMIM 108500.
Developmental and epileptic encephalopathy, 42 (DEE42A). Also called: Epileptic encephalopathy, early infantile, 42; DEVELOPMENTAL AND EPILEPTIC ENCEPHALOPATHY 42A; EPILEPTIC ENCEPHALOPATHY, EARLY INFANTILE, 42A. Identifiers: MedGen C4310716, MONDO:0014917, OMIM 617106.

Submission:

Labcorp Genetics (formerly Invitae), Labcorp
Classification: Pathogenic for Developmental and epileptic encephalopathy, 42; Episodic ataxia type 2. Last evaluated: 2024-07-31. Review status: criteria provided, single submitter. Criteria: Invitae Variant Classification Sherloc (09022015). Collection method: clinical testing. Allele origin: germline.
Comment: This sequence change creates a premature translational stop signal (p.Pro2029Glyfs*2) in the CACNA1A gene. It is expected to result in an absent or disrupted protein product. Loss-of-function variants in CACNA1A are known to be pathogenic (PMID: 10371528, 19486177, 25735478, 27250579). This variant is not present in population databases (gnomAD no frequency). This variant has not been reported in the literature in individuals affected with CACNA1A-related conditions. For these reasons, this variant has been classified as Pathogenic.

Literature cited by the submitters: PubMed 10371528; PubMed 19486177; PubMed 25735478; PubMed 27250579.

NM_001127222.2(CACNA1A):c.6082_6088del (p.Pro2028fs)

Gene: CACNA1A (calcium voltage-gated channel subunit alpha1 A; minus strand). Cytogenetic location: 19p13.13.
Variant type: Deletion.
Coding change: c.6082_6088del on transcript NM_001127222.2 (MANE Select); coding-DNA positions 6082 to 6088, 7 bases deleted (CCGTCCT; older notation c.6082_6088delCCGTCCT).
Protein change: p.Pro2028fs; shifts the reading frame from proline 2028.
Molecular consequence: frameshift variant.
Genome position (GRCh38, 1-based): chr19:13,212,485-13,212,491, AGGACGG deleted on the plus strand (CCGTCCT on the coding strand, the reverse complement: CACNA1A is on the minus strand). VCF-style (leftmost placement, unchanged base first): chr19-13212484-CAGGACGG-C. GRCh37 (hg19) VCF-style: chr19-13323298-CAGGACGG-C.
Other names: c.6100_6106del, p.Pro2034fs (NM_000068.4, NM_023035.3); c.6085_6091del, p.Pro2029fs (NM_001127221.2); c.6091_6097del, p.Pro2031fs (NM_001174080.2); short protein forms P2028fs, P2029fs, P2031fs, P2034fs.
Identifiers: ClinVar variation 3757491 (VCV003757491.2).